The following is an entry in ClinVar:

ClinVar aggregate classification (germline): Pathogenic. Review status: criteria provided, single submitter (1 of 4 stars). 2 submissions from 2 submitters: Pathogenic (1). 1 of the submissions does not count toward it. Last evaluated 2021-06-08.

Conditions:
Stargardt disease (FFM). Also called: Stargardt's disease; Fundus flavimaculatus. Identifiers: Orphanet 827, MedGen C0271093, MONDO:0019353.

Submissions (2):

Labcorp Genetics (formerly Invitae), Labcorp
Classification: Pathogenic. Last evaluated: 2021-06-08. Review status: criteria provided, single submitter. Criteria: Invitae Variant Classification Sherloc (09022015). Collection method: clinical testing. Allele origin: germline.
Comment: For these reasons, this variant has been classified as Pathogenic. This variant has not been reported in the literature in individuals with ABCA4-related conditions. This variant is not present in population databases (ExAC no frequency). This sequence change creates a premature translational stop signal (p.His914Argfs*5) in the ABCA4 gene. It is expected to result in an absent or disrupted protein product. Loss-of-function variants in ABCA4 are known to be pathogenic (PMID: 10958761, 24938718, 25312043, 26780318).

Ophthalmo-Genetics Lab, Instituto de Oftalmologia Conde de Valenciana
Classification: Pathogenic for Stargardt disease. Last evaluated: 2022-12-20. Review status: no assertion criteria provided. Collection method: research. Allele origin: biparental. Inheritance: Autosomal recessive inheritance. Affected: yes. Observed: 1 compound heterozygote. Not counted in ClinVar's aggregate classification.
Comment: PVS1,PM2, PP5 ACMG Criteria

Literature cited by the submitters: PubMed 10958761 (cited by Labcorp Genetics (formerly Invitae), Labcorp); PubMed 24938718 (cited by Labcorp Genetics (formerly Invitae), Labcorp); PubMed 25312043 (cited by Labcorp Genetics (formerly Invitae), Labcorp); PubMed 26780318 (cited by Labcorp Genetics (formerly Invitae), Labcorp); PubMed 35608843 (cited by Ophthalmo-Genetics Lab, Instituto de Oftalmologia Conde de Valenciana).

NM_000350.3(ABCA4):c.2741_2742del (p.His914fs)

Gene: ABCA4 (ATP binding cassette subfamily A member 4; minus strand). Cytogenetic location: 1p22.1.
Variant type: Microsatellite.
Coding change: c.2741_2742del on transcript NM_000350.3 (MANE Select); coding-DNA positions 2741 to 2742, 2 bases deleted (AC; older notation c.2741_2742delAC).
Protein change: p.His914fs; shifts the reading frame from histidine 914.
Molecular consequence: frameshift variant.
Genome position (GRCh38, 1-based): chr1:94,048,869-94,048,870, GT deleted on the plus strand (AC on the coding strand, the reverse complement: ABCA4 is on the minus strand); deleting any 2 consecutive bases within chr1:94,048,869-94,048,872 gives the same sequence; the c. name uses the placement nearest the transcript's 3' end. VCF-style (leftmost placement, unchanged base first): chr1-94048868-CGT-C. GRCh37 (hg19) VCF-style: chr1-94514424-CGT-C.
Other names: c.2517_2518AC[1], p.His840Argfs (NM_001425324.1); short protein forms H914fs.
Identifiers: ClinVar variation 1383864 (VCV001383864.7), dbSNP rs2101059717, ClinGen allele CA2580611465.